The following is an entry in ClinVar:

ClinVar aggregate classification (germline): Pathogenic (1 of 4 stars; one submission).

Allele frequency attached by ClinVar (database versions not stated): TOPMed below 0.00001; ExAC 0.00001; gnomAD 0.00001; gnomAD exomes 0.00001.

Submission:

Labcorp Genetics (formerly Invitae), Labcorp
Classification: Pathogenic. Last evaluated: 2024-01-24. Review status: criteria provided, single submitter. Criteria: Invitae Variant Classification Sherloc (09022015). Collection method: clinical testing. Allele origin: germline.
Comment: This sequence change affects a donor splice site in intron 4 of the MDH2 gene. It is expected to disrupt RNA splicing. Variants that disrupt the donor or acceptor splice site typically lead to a loss of protein function (PMID: 16199547), and loss-of-function variants in MDH2 are known to be pathogenic (PMID: 27989324). The frequency data for this variant in the population databases is considered unreliable, as metrics indicate poor data quality at this position in the gnomAD database. Disruption of this splice site has been observed in individual(s) with paraganglioma (PMID: 25766404, 30008476). ClinVar contains an entry for this variant (Variation ID: 1505082). Studies have shown that disruption of this splice site alters MDH2 gene expression (PMID: 25766404). Algorithms developed to predict the effect of sequence changes on RNA splicing suggest that this variant may disrupt the consensus splice site. For these reasons, this variant has been classified as Pathogenic.

Literature cited by the submitters: PubMed 16199547; PubMed 27989324; PubMed 25766404; PubMed 30008476.

NM_005918.4(MDH2):c.429+1G>T

Gene: MDH2 (malate dehydrogenase 2; plus strand). Cytogenetic location: 7q11.23.
Variant type: single nucleotide variant.
Coding change: c.429+1G>T on transcript NM_005918.4 (MANE Select); the canonical splice donor site of the intron after coding-DNA position 429, G replaced by T.
Molecular consequence: splice donor variant.
Genome position (GRCh38, 1-based): chr7:76,058,079, G>T. VCF-style: chr7-76058079-G-T. GRCh37 (hg19) VCF-style: chr7-75687397-G-T.
Other names: c.429+1G>T (NM_001282403.2); c.108+1G>T (NM_001282404.2).
Identifiers: ClinVar variation 1505082 (VCV001505082.6), dbSNP rs782251807, ClinGen allele CA4305528.